The following is an entry in ClinVar:

ClinVar aggregate classification (germline): Uncertain significance (1 of 4 stars; one submission).

Allele frequency attached by ClinVar (database versions not stated): ExAC 0.00001; gnomAD exomes 0.00001; gnomAD 0.00002.

Submission:

Labcorp Genetics (formerly Invitae), Labcorp
Classification: Uncertain significance. Last evaluated: 2021-11-29. Review status: criteria provided, single submitter. Criteria: Invitae Variant Classification Sherloc (09022015). Collection method: clinical testing. Allele origin: germline.
Comment: Algorithms developed to predict the effect of missense changes on protein structure and function are either unavailable or do not agree on the potential impact of this missense change (SIFT: "Tolerated"; PolyPhen-2: "Not Available"; Align-GVGD: "Class C0"). In summary, the available evidence is currently insufficient to determine the role of this variant in disease. Therefore, it has been classified as a Variant of Uncertain Significance. This variant has not been reported in the literature in individuals affected with AEBP1-related conditions. This variant is present in population databases (rs757303196, gnomAD 0.007%). This sequence change replaces glutamic acid, which is acidic and polar, with lysine, which is basic and polar, at codon 1096 of the AEBP1 protein (p.Glu1096Lys).

NM_001129.5(AEBP1):c.3286G>A (p.Glu1096Lys)

Gene: AEBP1 (AE binding protein 1; plus strand). Cytogenetic location: 7p13.
Variant type: single nucleotide variant.
Coding change: c.3286G>A on transcript NM_001129.5 (MANE Select); coding-DNA position 3286, G replaced by A.
Protein change: p.Glu1096Lys; replaces glutamic acid 1096 with lysine.
Molecular consequence: missense variant.
Genome position (GRCh38, 1-based): chr7:44,114,070, G>A. VCF-style: chr7-44114070-G-A. GRCh37 (hg19) VCF-style: chr7-44153669-G-A.
Other names: short protein forms E1096K.
Identifiers: ClinVar variation 1471171 (VCV001471171.4), dbSNP rs757303196, ClinGen allele CA4238452.